The following is an entry in ClinVar:

NM_001242957.3(MAK):c.718_719del (p.Gln240fs)

Gene: MAK (male germ cell associated kinase; minus strand). Cytogenetic location: 6p24.2.
Variant type: Deletion.
Coding change: c.718_719del on transcript NM_001242957.3 (MANE Select); coding-DNA positions 718 to 719, 2 bases deleted (CA; older notation c.718_719delCA).
Protein change: p.Gln240fs; shifts the reading frame from glutamine 240.
Molecular consequence: frameshift variant. On other transcripts: non-coding transcript variant (2).
Genome position (GRCh38, 1-based): chr6:10,802,004-10,802,005, TG deleted on the plus strand (CA on the coding strand, the reverse complement: MAK is on the minus strand). VCF-style (leftmost placement, unchanged base first): chr6-10802003-CTG-C. GRCh37 (hg19) VCF-style: chr6-10802236-CTG-C.
Other names: c.718_719del (NM_001242957.1); c.718_719delCA (NM_001242957.2); c.718_719del, p.Gln240fs (NM_001242385.2, NM_005906.6); c.616_617del, p.Gln206fs (NM_001377262.1); short protein forms Q206fs, Q240fs.
Identifiers: ClinVar variation 817732 (VCV000817732.14), dbSNP rs1039053911, ClinGen allele CA134118684.

ClinVar aggregate classification (germline): Pathogenic/Likely pathogenic. Review status: criteria provided, multiple submitters, no conflicts (2 of 4 stars). 4 submissions from 4 submitters: Pathogenic (1); Likely pathogenic (3). Last evaluated 2026-06-21.

Conditions:
MAK-related disorder. Also called: MAK-related condition.
MAK-related disorders.

Allele frequency attached by ClinVar (database versions not stated): gnomAD exomes below 0.00001; gnomAD 0.00001; TOPMed 0.00002.

Submissions (4):

PreventionGenetics, part of Exact Sciences
Classification: Likely pathogenic for MAK-related condition. Last evaluated: 2026-06-21. Review status: criteria provided, single submitter. Criteria: ACMG Guidelines, 2015. Collection method: clinical testing. Allele origin: germline.
Comment: The MAK c.718_719delCA variant is predicted to result in a frameshift and premature protein termination (p.Gln240Valfs*15). To our knowledge, this variant has not been previously reported in the literature in association with disease. This variant is reported in 0.0062% of alleles in individuals of African descent in gnomAD. Frameshift variants in MAK are expected to be pathogenic. This variant is interpreted as likely pathogenic.

Labcorp Genetics (formerly Invitae), Labcorp
Classification: Pathogenic. Last evaluated: 2023-06-27. Review status: criteria provided, single submitter. Criteria: Invitae Variant Classification Sherloc (09022015). Collection method: clinical testing. Allele origin: germline.
Comment: For these reasons, this variant has been classified as Pathogenic. ClinVar contains an entry for this variant (Variation ID: 817732). This variant has not been reported in the literature in individuals affected with MAK-related conditions. This variant is present in population databases (no rsID available, gnomAD 0.007%). This sequence change creates a premature translational stop signal (p.Gln240Valfs*15) in the MAK gene. It is expected to result in an absent or disrupted protein product. Loss-of-function variants in MAK are known to be pathogenic (PMID: 21148103, 21825139, 24938718, 29781741).

Blueprint Genetics
Classification: Likely pathogenic for MAK-related disorders. Last evaluated: 2019-05-08. Review status: criteria provided, single submitter. Criteria: ACMG Guidelines, 2015. Collection method: clinical testing. Allele origin: germline. Affected: yes. Observed: 1 variant allele.

GeneDx
Classification: Likely pathogenic. Last evaluated: 2018-08-06. Review status: criteria provided, single submitter. Criteria: GeneDx Variant Classification (06012015). Collection method: clinical testing. Allele origin: germline. Affected: yes.
Comment: The c.718_719delCA variant in the MAK gene has not been reported previously as a pathogenic variant nor as a benign variant, to our knowledge. This variant causes a frameshift starting with codon Glutamine 240, changes this amino acid to a Valine residue, and creates a premature Stop codon at position 15 of the new reading frame, denoted p.Gln240ValfsX15. This variant is predicted to cause loss of normal protein function either through protein truncation or nonsense-mediated mRNA decay. The c.718_719delCA variant is observed in 1/15304 (0.0065%) alleles from individuals of African background in large population cohorts (Lek et al., 2016). We interpret c.718_719delCA as a likely pathogenic variant.

Literature cited by the submitters: PubMed 21148103 (cited by Labcorp Genetics (formerly Invitae), Labcorp); PubMed 21825139 (cited by Labcorp Genetics (formerly Invitae), Labcorp); PubMed 24938718 (cited by Labcorp Genetics (formerly Invitae), Labcorp); PubMed 29781741 (cited by Labcorp Genetics (formerly Invitae), Labcorp).